The following is an entry in ClinVar:

ClinVar aggregate classification (germline): Uncertain significance (1 of 4 stars; one submission).

Conditions:
Hypertrophic cardiomyopathy. Also called: HYPERTROPHIC MYOCARDIOPATHY. Identifiers: Orphanet 217569, MedGen C0007194, MeSH D002312, MONDO:0005045, HP:0001639.

Submission:

All of Us Research Program, National Institutes of Health
Classification: Uncertain significance for Hypertrophic cardiomyopathy. Last evaluated: 2024-04-16. Review status: criteria provided, single submitter. Criteria: ACMG Guidelines, 2015. Collection method: clinical testing. Allele origin: germline. Inheritance: Autosomal dominant inheritance. Observed: 1 variant allele, 1 heterozygote.
Comment: This missense variant replaces tyrosine with serine at codon 242 of the ACTC1 protein. Computational prediction suggests that this variant may have deleterious impact on protein structure and function (internally defined REVEL score threshold >= 0.7, PMID: 27666373). To our knowledge, functional studies have not been reported for this variant. This variant has not been reported in individuals affected with ACTC1-related disorders in the literature. This variant has not been identified in the general population by the Genome Aggregation Database (gnomAD). The available evidence is insufficient to determine the role of this variant in disease conclusively. Therefore, this variant is classified as a Variant of Uncertain Significance.

This study involves interpretation of variants in research participants for the purpose of population health screening. Participant phenotype was not available at the time of variant classification. Additional details can be found in publication PMID: 35346344, PMCID: PMC8962531

NM_005159.5(ACTC1):c.725A>C (p.Tyr242Ser)

Genes: GJD2-DT (GJD2 divergent transcript; plus strand), ACTC1 (actin alpha cardiac muscle 1; minus strand). Cytogenetic location: 15q14.
Variant type: single nucleotide variant.
Coding change: c.725A>C on transcript NM_005159.5 (MANE Select); coding-DNA position 725, A replaced by C.
Protein change: p.Tyr242Ser; replaces tyrosine 242 with serine.
Molecular consequence: missense variant.
Genome position (GRCh38, 1-based): chr15:34,792,173, T>G on the plus strand (A>C on the coding strand, the complement: ACTC1 is on the minus strand). VCF-style: chr15-34792173-T-G. GRCh37 (hg19) VCF-style: chr15-35084374-T-G.
Other names: c.725A>C, p.Tyr242Ser (NM_001406482.1, NM_001406483.1); c.590A>C, p.Tyr197Ser (NM_001406484.1); c.284A>C, p.Tyr95Ser (NM_001406485.1); short protein forms Y197S, Y242S, Y95S.
Identifiers: ClinVar variation 3386936 (VCV003386936.1).